The following is an entry in ClinVar:

ClinVar aggregate classification (germline): Uncertain significance. Review status: criteria provided, multiple submitters, no conflicts (2 of 4 stars). 11 submissions from 11 submitters: Uncertain significance (9). 2 of the submissions do not count toward it. Last evaluated 2026-01-18.

Conditions:
Dyskeratosis congenita, autosomal dominant 2. Identifiers: MedGen C3151443, MONDO:0013521, OMIM 613989.
Idiopathic Pulmonary Fibrosis. Also called: Idiopathic fibrosing alveolitis, chronic form; idiopathic fibrosing alveolitis. Identifiers: Orphanet 2032, MedGen C1800706, MeSH D054990, MONDO:0800504.
Pulmonary fibrosis and/or bone marrow failure, Telomere-related, 1. Also called: PULMONARY FIBROSIS AND/OR BONE MARROW FAILURE SYNDROME, TELOMERE-RELATED, 1. Identifiers: Orphanet 88, MedGen C3553617, MONDO:0013878, OMIM 614742.
Aplastic anemia. Identifiers: Orphanet 182040, Orphanet 88, MedGen C0002874, MONDO:0015909, OMIM 609135, HP:0001915.
Interstitial lung disease 2 (ILD2). Also called: FIBROCYSTIC PULMONARY DYSPLASIA; FIBROSING ALVEOLITIS, CRYPTOGENIC; Familial idiopathic pulmonary fibrosis. Identifiers: Orphanet 2032, Orphanet 79126, MedGen C5561926, MONDO:0800497, OMIM 178500, MONDO:0800029.
Dyskeratosis congenita, autosomal dominant 1 (DKCA1). Also called: Dyskeratosis congenita Scoggins type. Identifiers: Orphanet 1775, MedGen C4551974, MONDO:0007485, OMIM 127550. Inheritance: Variable.
Melanoma, cutaneous malignant, susceptibility to, 9. Also called: Cutaneous malignant melanoma 9. Identifiers: Orphanet 618, MedGen C3554574, MONDO:0014056, OMIM 615134.
Acute myeloid leukemia (AML). Also called: Acute myeloid leukemia, adult; AML adult; Acute non-lymphocytic leukemia; Acute granulocytic leukemia; Leukemia, acute myeloid, somatic; Leukemia, acute myelogenous, somatic. Identifiers: Orphanet 519, MedGen C0023467, MeSH D015470, MONDO:0018874, OMIM 601626, HP:0004808. Disease mechanism: Constitutively activated FLT3.
Pulmonary fibrosis. Identifiers: MedGen C0034069, MONDO:0002771, HP:0002206.
Dyskeratosis congenita. Identifiers: Orphanet 1775, MedGen C0265965, MONDO:0015780.

Allele frequency attached by ClinVar (database versions not stated): gnomAD exomes 0.00003 and 0.00009; gnomAD 0.00004 and 0.00003; ExAC 0.00005; TOPMed 0.00003.
gnomAD v4.1: 139 of 1,611,632 alleles (0.0086%); highest among the groups gnomAD compares: South Asian, 0.011%; no homozygotes.

Submissions (11):

Labcorp Genetics (formerly Invitae), Labcorp
Classification: Uncertain significance for Dyskeratosis congenita, autosomal dominant 2; Idiopathic Pulmonary Fibrosis. Last evaluated: 2026-01-18. Review status: criteria provided, single submitter. Criteria: Invitae Variant Classification Sherloc (09022015). Collection method: clinical testing. Allele origin: germline.
Comment: This sequence change replaces threonine, which is neutral and polar, with methionine, which is neutral and non-polar, at codon 1110 of the TERT protein (p.Thr1110Met). This variant is present in population databases (rs199422306, gnomAD 0.01%). This missense change has been observed in individual(s) with idiopathic pulmonary fibrosis and telomeropathies (PMID: 17392301, 30523342, 34019641). ClinVar contains an entry for this variant (Variation ID: 39122). Invitae Evidence Modeling of protein sequence and biophysical properties (such as structural, functional, and spatial information, amino acid conservation, physicochemical variation, residue mobility, and thermodynamic stability) indicates that this missense variant is not expected to disrupt TERT protein function with a negative predictive value of 95%. Experimental studies have shown that this missense change affects TERT function (PMID: 17392301). In summary, the available evidence is currently insufficient to determine the role of this variant in disease. Therefore, it has been classified as a Variant of Uncertain Significance.

Women's Health and Genetics/Laboratory Corporation of America, LabCorp
Classification: Uncertain significance. Last evaluated: 2025-10-30. Review status: criteria provided, single submitter. Criteria: LabCorp Variant Classification Summary - May 2015. Collection method: clinical testing. Allele origin: germline.
Comment: Variant summary: TERT c.3329C>T (p.Thr1110Met) results in a non-conservative amino acid change in the encoded protein sequence. Algorithms developed to predict the effect of missense changes on protein structure and function all suggest that this variant is likely to be disruptive. The variant allele was found at a frequency of 3.3e-05 in 242766 control chromosomes (gnomAD). The available data on variant occurrences in the general population are insufficient to allow any conclusion about variant significance. c.3329C>T has been observed in individuals affected with pulmonary fibrosis, thrombocytopaenia, or myelodysplastic syndrome (e.g., Armanios_2007, Gutierrez-Rodrigues_2019, Reilly_2021, Zhang_2022). These data do not allow any conclusion about variant significance. Publications report experimental evidence evaluating an impact on protein function. The most pronounced variant effect results in >50%-90% of normal activity (Armanios_2007, Reilly_2021). The following publications have been ascertained in the context of this evaluation (PMID: 17392301, 34019641, 30523342, 36028256). ClinVar contains an entry for this variant (Variation ID: 39122). Based on the evidence outlined above, the variant was classified as uncertain significance.

Genomic Medicine Center of Excellence, King Faisal Specialist Hospital and Research Centre
Classification: Uncertain significance for Pulmonary fibrosis and/or bone marrow failure, Telomere-related, 1. Last evaluated: 2025-09-10. Review status: criteria provided, single submitter. Criteria: ACMG Guidelines, 2015. Collection method: clinical testing. Allele origin: germline.

Ambry Genetics
Classification: Uncertain significance for Dyskeratosis congenita. Last evaluated: 2024-12-14. Review status: criteria provided, single submitter. Criteria: Ambry Variant Classification Scheme 2023. Collection method: clinical testing. Allele origin: germline.
Comment: The p.T1110M variant (also known as c.3329C>T), located in coding exon 16 of the TERT gene, results from a C to T substitution at nucleotide position 3329. The threonine at codon 1110 is replaced by methionine, an amino acid with similar properties. This amino acid position is poorly conserved in available vertebrate species. In addition, the in silico prediction for this alteration is inconclusive. The evidence for this gene-disease relationship is limited; therefore, the clinical significance of this alteration is unclear.

ARUP Laboratories, Molecular Genetics and Genomics, ARUP Laboratories
Classification: Uncertain significance. Last evaluated: 2024-11-12. Review status: criteria provided, single submitter. Criteria: ARUP Molecular Germline Variant Investigation Process 2024. Collection method: clinical testing. Allele origin: germline.
Comment: The TERT c.3329C>T; p.Thr1110Met variant (rs199422306, ClinVar Variation ID: 39122) is reported in the literature in individuals affected with idiopathic pulmonary fibrosis or thrombocytopenia and these individuals also had shortened telomeres compared to controls (Armanios 2007, Gutierrez-Rodrigues 2019). Additionally, this variant was found in a patient with myelodysplastic syndrome however the variant was not confirmed to be germline (Reilly 2021). This variant is found in the general population with an overall allele frequency of 0.003% (9/274,156 alleles) in the Genome Aggregation Database (v2.1.1). Computational analyses are uncertain whether this variant is neutral or deleterious (REVEL: 0.509). In vitro functional analyses demonstrate decreased telomere elongation activity compared to wildtype (Armanios 2007, Reilly 2021). However, given the lilmited clinical and functional data, the significance of this variant is uncertain at this time. References: Armanios MY et al. Telomerase mutations in families with idiopathic pulmonary fibrosis. N Engl J Med. 2007 Mar 29;356(13):1317-26. PMID: 17392301. Gutierrez-Rodrigues F et al. Pathogenic TERT promoter variants in telomere diseases. Genet Med. 2019 Jul;21(7):1594-1602. PMID: 30523342. Reilly CR et al. The clinical and functional effects of TERT variants in myelodysplastic syndrome. Blood. 2021 Sep 9;138(10):898-911. PMID: 34019641.

Baylor Genetics
Classification: Uncertain significance for Dyskeratosis congenita, autosomal dominant 2. Last evaluated: 2024-03-11. Review status: criteria provided, single submitter. Criteria: ACMG Guidelines, 2015. Collection method: clinical testing. Allele origin: unknown.

Blueprint Genetics
Classification: Uncertain significance. Last evaluated: 2023-12-28. Review status: criteria provided, single submitter. Criteria: ACMG Guidelines, 2015. Collection method: clinical testing. Allele origin: germline.

GeneDx
Classification: Uncertain significance. Last evaluated: 2023-09-19. Review status: criteria provided, single submitter. Criteria: GeneDx Variant Classification Process June 2021. Collection method: clinical testing. Allele origin: germline. Affected: yes.
Comment: Observed in individuals with shortened telomeres and personal history of idiopathic pulmonary fibrosis or thrombocytopenia in published literature (Armanios et al., 2007; Gutierrez-Rodrigues et al., 2019); In silico analysis supports that this missense variant does not alter protein structure/function; This variant is associated with the following publications: (PMID: 23716176, 21520174, 20301779, 17392301, 28373299, 17825470, 23618685, 31426295, 30523342, 34019641)

Fulgent Genetics
Classification: Uncertain significance for Dyskeratosis congenita, autosomal dominant 1; Interstitial lung disease 2; Acute myeloid leukemia; Aplastic anemia; Dyskeratosis congenita, autosomal dominant 2; Pulmonary fibrosis and/or bone marrow failure, Telomere-related, 1; Melanoma, cutaneous malignant, susceptibility to, 9. Last evaluated: 2021-08-04. Review status: criteria provided, single submitter. Criteria: ACMG Guidelines, 2015. Collection method: clinical testing. Allele origin: unknown.

Garcia Pulmonary Genetics Research Laboratory, Columbia University Irving Medical Center
Classification: Likely risk allele for Pulmonary fibrosis. Last evaluated: 2022-06-09. Review status: no assertion criteria provided. Collection method: research. Allele origin: germline. Affected: yes. Not counted in ClinVar's aggregate classification.
Comment: Leukocyte telomere length (by qPCR) less than 10th percentile age-adjusted

GeneReviews
No classification provided. Condition: Interstitial lung disease 2. Review status: no classification provided. Collection method: literature only. Allele origin: unknown. Not counted in ClinVar's aggregate classification.

Literature cited by the submitters: PubMed 17392301 (cited by Labcorp Genetics (formerly Invitae), Labcorp and Women's Health and Genetics/Laboratory Corporation of America, LabCorp); PubMed 30523342 (cited by Labcorp Genetics (formerly Invitae), Labcorp and Women's Health and Genetics/Laboratory Corporation of America, LabCorp); PubMed 34019641 (cited by Labcorp Genetics (formerly Invitae), Labcorp and Women's Health and Genetics/Laboratory Corporation of America, LabCorp); PubMed 36028256 (cited by Women's Health and Genetics/Laboratory Corporation of America, LabCorp); PubMed 20301779 (cited by GeneReviews); NCBI Bookshelf NBK22301 (cited by GeneReviews).

NM_198253.3(TERT):c.3329C>T (p.Thr1110Met)

Gene: TERT (telomerase reverse transcriptase; minus strand). Cytogenetic location: 5p15.33.
Variant type: single nucleotide variant.
Coding change: c.3329C>T on transcript NM_198253.3 (MANE Select); coding-DNA position 3329, C replaced by T.
Protein change: p.Thr1110Met; replaces threonine 1110 with methionine.
Molecular consequence: missense variant. On other transcripts: non-coding transcript variant (2).
Genome position (GRCh38, 1-based): chr5:1,253,798, G>A on the plus strand (C>T on the coding strand, the complement: TERT is on the minus strand). VCF-style: chr5-1253798-G-A. GRCh37 (hg19) VCF-style: chr5-1253913-G-A.
Other names: c.3140C>T, p.Thr1047Met (NM_001193376.3); short protein forms T1110M, T1047M.
Identifiers: ClinVar variation 39122 (VCV000039122.45), dbSNP rs199422306, ClinGen allele CA343457.